The following is an entry in ClinVar:

ClinVar aggregate classification (germline): Conflicting classifications of pathogenicity. Review status: criteria provided, conflicting classifications (1 of 4 stars). 3 submissions from 3 submitters: Uncertain significance (2); Likely benign (1). Last evaluated 2025-06-18.

Allele frequency attached by ClinVar (database versions not stated): gnomAD exomes below 0.00001 and 0.00002; ExAC 0.00004; gnomAD 0.00004 and 0.00005; TOPMed 0.00006.
gnomAD v4.1: 18 of 1,607,124 alleles (0.0011%); highest among the groups gnomAD compares: African/African-American, 0.011%; no homozygotes.

Submissions (3):

Labcorp Genetics (formerly Invitae), Labcorp
Classification: Uncertain significance. Last evaluated: 2025-06-18. Review status: criteria provided, single submitter. Criteria: Invitae Variant Classification Sherloc (09022015). Collection method: clinical testing. Allele origin: germline.
Comment: This sequence change falls in intron 23 of the COL11A1 gene. It does not directly change the encoded amino acid sequence of the COL11A1 protein. It affects a nucleotide within the consensus splice site. This variant is present in population databases (rs770210430, gnomAD 0.01%). This variant has not been reported in the literature in individuals affected with COL11A1-related conditions. ClinVar contains an entry for this variant (Variation ID: 502463). Variants that disrupt the consensus splice site are a relatively common cause of aberrant splicing (PMID: 17576681, 9536098). Algorithms developed to predict the effect of sequence changes on RNA splicing suggest that this variant is not likely to affect RNA splicing. In summary, the available evidence is currently insufficient to determine the role of this variant in disease. Therefore, it has been classified as a Variant of Uncertain Significance.

Blueprint Genetics
Classification: Likely benign. Last evaluated: 2021-09-23. Review status: criteria provided, single submitter. Criteria: ACMG Guidelines, 2015. Collection method: clinical testing. Allele origin: germline.

Eurofins Ntd Llc (ga)
Classification: Uncertain significance. Last evaluated: 2017-06-15. Review status: criteria provided, single submitter. Criteria: EGL Classification Definitions 2015. Collection method: clinical testing. Allele origin: germline. Observed: 1 variant allele, 1 heterozygote.

Literature cited by the submitters: PubMed 17576681 (cited by Labcorp Genetics (formerly Invitae), Labcorp); PubMed 9536098 (cited by Labcorp Genetics (formerly Invitae), Labcorp).

NM_001854.4(COL11A1):c.2097+3A>G

Gene: COL11A1 (collagen type XI alpha 1 chain; minus strand). Cytogenetic location: 1p21.1.
Variant type: single nucleotide variant.
Coding change: c.2097+3A>G on transcript NM_001854.4 (MANE Select); 3 bases into the intron after coding-DNA position 2097, A replaced by G.
Molecular consequence: intron variant.
Genome position (GRCh38, 1-based): chr1:103,002,425, T>C on the plus strand (A>G on the coding strand, the complement: COL11A1 is on the minus strand). VCF-style: chr1-103002425-T-C. GRCh37 (hg19) VCF-style: chr1-103467981-T-C.
Other names: c.1980+3A>G (NM_001190709.2); c.2133+3A>G (NM_080629.3); c.1749+3A>G (NM_080630.4).
Identifiers: ClinVar variation 502463 (VCV000502463.13), dbSNP rs770210430, ClinGen allele CA974626.